The following is an entry in ClinVar:

NM_001354483.2(CSGALNACT1):c.875G>A (p.Gly292Glu)

Gene: CSGALNACT1 (chondroitin sulfate N-acetylgalactosaminyltransferase 1; minus strand). Cytogenetic location: 8p21.3.
Variant type: single nucleotide variant.
Coding change: c.875G>A on transcript NM_001354483.2 (MANE Select); coding-DNA position 875, G replaced by A.
Protein change: p.Gly292Glu; replaces glycine 292 with glutamic acid.
Molecular consequence: missense variant. On other transcripts: non-coding transcript variant (7).
Genome position (GRCh38, 1-based): chr8:19,439,908, C>T on the plus strand (G>A on the coding strand, the complement: CSGALNACT1 is on the minus strand). VCF-style: chr8-19439908-C-T. GRCh37 (hg19) VCF-style: chr8-19297419-C-T.
Other names: c.875G>A, p.Gly292Glu (NM_001130518.2, NM_001354475.2, NM_001354476.2 and 18 more transcripts); short protein forms G292E.
Identifiers: ClinVar variation 1371798 (VCV001371798.6), dbSNP rs780859963, ClinGen allele CA4653986.

ClinVar aggregate classification (germline): Uncertain significance (1 of 4 stars; one submission).

Allele frequency attached by ClinVar (database versions not stated): ExAC 0.00001; gnomAD 0.00001; gnomAD exomes 0.00001 and 0.00002; TOPMed 0.00003.
gnomAD v4.1: 7 of 1,613,912 alleles (0.00043%); highest among the groups gnomAD compares: Admixed American, 0.0017%; no homozygotes.

Submission:

Labcorp Genetics (formerly Invitae), Labcorp
Classification: Uncertain significance. Last evaluated: 2021-02-05. Review status: criteria provided, single submitter. Criteria: Invitae Variant Classification Sherloc (09022015). Collection method: clinical testing. Allele origin: germline.
Comment: In summary, the available evidence is currently insufficient to determine the role of this variant in disease. Therefore, it has been classified as a Variant of Uncertain Significance. Algorithms developed to predict the effect of missense changes on protein structure and function are either unavailable or do not agree on the potential impact of this missense change (SIFT: "Tolerated"; PolyPhen-2: "Probably Damaging"; Align-GVGD: "Class C0"). This variant has not been reported in the literature in individuals with CSGALNACT1-related conditions. This variant is present in population databases (rs780859963, ExAC 0.01%). This sequence change replaces glycine with glutamic acid at codon 292 of the CSGALNACT1 protein (p.Gly292Glu). The glycine residue is highly conserved and there is a moderate physicochemical difference between glycine and glutamic acid.